The following is an entry in ClinVar:

NM_003265.3(TLR3):c.2180G>C (p.Gly727Ala)

Gene: TLR3 (toll like receptor 3; plus strand). Cytogenetic location: 4q35.1.
Variant type: single nucleotide variant.
Coding change: c.2180G>C on transcript NM_003265.3 (MANE Select); coding-DNA position 2180, G replaced by C.
Protein change: p.Gly727Ala; replaces glycine 727 with alanine.
Molecular consequence: missense variant.
Genome position (GRCh38, 1-based): chr4:186,083,866, G>C. VCF-style: chr4-186083866-G-C. GRCh37 (hg19) VCF-style: chr4-187005020-G-C.
Other names: short protein forms G727A.
Identifiers: ClinVar variation 3004102 (VCV003004102.3), dbSNP rs377509605, ClinGen allele CA3161529.

ClinVar aggregate classification (germline): Uncertain significance (1 of 4 stars; one submission).

Conditions:
Encephalopathy, acute, infection-induced (herpes-specific), susceptibility to, 1. Also called: Herpes simplex encephalitis, susceptibility to, 1. Identifiers: Orphanet 1930, MedGen C2750180, MONDO:0024563, OMIM 610551.

Allele frequency attached by ClinVar (database versions not stated): TOPMed below 0.00001; ExAC 0.00002; ESP Exome Variant Server 0.00008.
gnomAD v4.1: 2 of 1,614,032 alleles (0.00012%); highest among the groups gnomAD compares: African/African-American, 0.0027%; no homozygotes.

Submission:

Labcorp Genetics (formerly Invitae), Labcorp
Classification: Uncertain significance for Encephalopathy, acute, infection-induced (herpes-specific), susceptibility to, 1. Last evaluated: 2023-08-17. Review status: criteria provided, single submitter. Criteria: Invitae Variant Classification Sherloc (09022015). Collection method: clinical testing. Allele origin: germline.
Comment: In summary, the available evidence is currently insufficient to determine the role of this variant in disease. Therefore, it has been classified as a Variant of Uncertain Significance. This sequence change replaces glycine, which is neutral and non-polar, with alanine, which is neutral and non-polar, at codon 727 of the TLR3 protein (p.Gly727Ala). This variant is present in population databases (rs377509605, gnomAD 0.01%). This variant has not been reported in the literature in individuals affected with TLR3-related conditions. An algorithm developed to predict the effect of missense changes on protein structure and function (PolyPhen-2) suggests that this variant is likely to be disruptive.